The following is an entry in ClinVar:

ClinVar aggregate classification (germline): Uncertain significance (1 of 4 stars; one submission).

Submission:

Dasa
Classification: Uncertain significance. Last evaluated: 2024-11-22. Review status: criteria provided, single submitter. Criteria: DASA Assertion Criteria. Collection method: clinical testing. Allele origin: germline.
Comment: NM_181458.4(PAX3):c.1174-5T>A is a splice-region variant. This variant is absent from population databases. Computational prediction algorithms are consistent with a benign effect. The currently available literature and clinical evidence are not sufficient to establish a definitive association between this variant and the reported condition. Therefore, this variant is classified as a variant of uncertain significance.

NM_181458.4(PAX3):c.1174-5T>A

Gene: PAX3 (paired box 3; minus strand). Cytogenetic location: 2q36.1.
Variant type: single nucleotide variant.
Coding change: c.1174-5T>A on transcript NM_181458.4 (MANE Select); 5 bases into the intron before coding-DNA position 1174, T replaced by A.
Molecular consequence: intron variant.
Genome position (GRCh38, 1-based): chr2:222,202,195, A>T on the plus strand (T>A on the coding strand, the complement: PAX3 is on the minus strand). VCF-style: chr2-222202195-A-T. GRCh37 (hg19) VCF-style: chr2-223066914-A-T.
Other names: c.1171-5T>A (NM_001127366.3); c.1174-753T>A (NM_181460.4, NM_181461.4); c.1174-5T>A (NM_181459.4, NM_181457.4).
Identifiers: ClinVar variation 4885346 (VCV004885346.2).